The following is an entry in ClinVar:

NM_001164508.2(NEB):c.8585_8588del (p.Val2862fs)

Gene: NEB (nebulin; minus strand). Cytogenetic location: 2q23.3.
Variant type: Deletion.
Coding change: c.8585_8588del on transcript NM_001164508.2 (MANE Select); coding-DNA positions 8585 to 8588, 4 bases deleted (TCAG; older notation c.8585_8588delTCAG).
Protein change: p.Val2862fs; shifts the reading frame from valine 2862.
Molecular consequence: frameshift variant.
Genome position (GRCh38, 1-based): chr2:151,640,452-151,640,455, CTGA deleted on the plus strand (TCAG on the coding strand, the reverse complement: NEB is on the minus strand); deleting any 4 consecutive bases within chr2:151,640,452-151,640,457 gives the same sequence; the c. name uses the placement nearest the transcript's 3' end. VCF-style (leftmost placement, unchanged base first): chr2-151640451-GCTGA-G. GRCh37 (hg19) VCF-style: chr2-152496965-GCTGA-G.
Other names: c.8585_8588del, p.Val2862fs (NM_001164507.2, NM_001271208.2, NM_004543.5); short protein forms V2862fs.
Identifiers: ClinVar variation 2914238 (VCV002914238.3), dbSNP rs2552243919, ClinGen allele CA2739271239.

ClinVar aggregate classification (germline): Pathogenic (1 of 4 stars; one submission).

Conditions:
Nemaline myopathy 2 (NEM2). Also called: Nemaline myopathy 2, autosomal recessive. Identifiers: MedGen C1850569, MONDO:0009725, OMIM 256030.

Submission:

Labcorp Genetics (formerly Invitae), Labcorp
Classification: Pathogenic for Nemaline myopathy 2. Last evaluated: 2023-08-28. Review status: criteria provided, single submitter. Criteria: Invitae Variant Classification Sherloc (09022015). Collection method: clinical testing. Allele origin: germline.
Comment: This sequence change creates a premature translational stop signal (p.Val2862Alafs*43) in the NEB gene. It is expected to result in an absent or disrupted protein product. Loss-of-function variants in NEB are known to be pathogenic (PMID: 25205138). This variant is not present in population databases (gnomAD no frequency). This variant has not been reported in the literature in individuals affected with NEB-related conditions. For these reasons, this variant has been classified as Pathogenic.

Literature cited by the submitters: PubMed 25205138.